The following is an entry in ClinVar:

NM_005765.3(ATP6AP2):c.766G>T (p.Gly256Cys)

Gene: ATP6AP2 (ATPase H+ transporting accessory protein 2; plus strand). Cytogenetic location: Xp11.4.
Variant type: single nucleotide variant.
Coding change: c.766G>T on transcript NM_005765.3 (MANE Select); coding-DNA position 766, G replaced by T.
Protein change: p.Gly256Cys; replaces glycine 256 with cysteine.
Molecular consequence: missense variant.
Genome position (GRCh38, 1-based): chrX:40,600,789, G>T. VCF-style: chrX-40600789-G-T. GRCh37 (hg19) VCF-style: chrX-40460041-G-T.
Other names: short protein forms G256C.
Identifiers: ClinVar variation 2799225 (VCV002799225.3), dbSNP rs777353753, ClinGen allele CA10387273.

ClinVar aggregate classification (germline): Uncertain significance (1 of 4 stars; one submission).

Conditions:
Intellectual developmental disorder, X-linked, syndromic, Hedera type. Also called: Syndromic X-linked intellectual disability Hedera type. Identifiers: Orphanet 93952, MedGen C1845543, MONDO:0010319, OMIM 300423.

Allele frequency attached by ClinVar (database versions not stated): gnomAD exomes below 0.00001; ExAC 0.00001.
gnomAD v4.1: 2 of 1,207,820 alleles (0.00017%); highest among the groups gnomAD compares: Admixed American, 0.0043%; no homozygotes.

Submission:

Labcorp Genetics (formerly Invitae), Labcorp
Classification: Uncertain significance for Intellectual developmental disorder, X-linked, syndromic, Hedera type. Last evaluated: 2023-03-27. Review status: criteria provided, single submitter. Criteria: Invitae Variant Classification Sherloc (09022015). Collection method: clinical testing. Allele origin: germline.
Comment: In summary, the available evidence is currently insufficient to determine the role of this variant in disease. Therefore, it has been classified as a Variant of Uncertain Significance. Advanced modeling of protein sequence and biophysical properties (such as structural, functional, and spatial information, amino acid conservation, physicochemical variation, residue mobility, and thermodynamic stability) performed at Invitae indicates that this missense variant is expected to disrupt ATP6AP2 protein function. This variant has not been reported in the literature in individuals affected with ATP6AP2-related conditions. This variant is present in population databases (rs777353753, gnomAD 0.008%). This sequence change replaces glycine, which is neutral and non-polar, with cysteine, which is neutral and slightly polar, at codon 256 of the ATP6AP2 protein (p.Gly256Cys).